The following is an entry in ClinVar:

ClinVar aggregate classification (germline): Uncertain significance (1 of 4 stars; one submission).

Conditions:
Hereditary breast ovarian cancer syndrome. Also called: Hereditary breast and ovarian cancer syndrome; Breast and ovarian cancer; BRCA1- and BRCA2-Associated Hereditary Breast and Ovarian Cancer; Hereditary breast and ovarian cancer syndrome (HBOC); Hereditary breast and/or ovarian cancer syndrome; Hereditary breast and ovarian cancer. Identifiers: Orphanet 145, MedGen C0677776, MeSH D061325, MONDO:0003582. Disease mechanism: loss of function.

Submission:

Labcorp Genetics (formerly Invitae), Labcorp
Classification: Uncertain significance for Hereditary breast ovarian cancer syndrome. Last evaluated: 2023-01-24. Review status: criteria provided, single submitter. Criteria: Invitae Variant Classification Sherloc (09022015). Collection method: clinical testing. Allele origin: germline.
Comment: In summary, the available evidence is currently insufficient to determine the role of this variant in disease. Therefore, it has been classified as a Variant of Uncertain Significance. Experimental studies and prediction algorithms are not available or were not evaluated, and the effect of this variant on mRNA splicing is currently unknown. This variant has not been reported in the literature in individuals affected with BRCA1-related conditions. Information on the frequency of this variant in the gnomAD database is not available, as this variant may be reported differently in the database. This sequence change falls in intron 17 of the BRCA1 gene. It does not directly change the encoded amino acid sequence of the BRCA1 protein.

NM_007294.4(BRCA1):c.5152+18_5152+22delinsAAGTA

Gene: BRCA1 (BRCA1 DNA repair associated; minus strand). Cytogenetic location: 17q21.31.
Variant type: Indel.
Coding change: c.5152+18_5152+22delinsAAGTA on transcript NM_007294.4 (MANE Select); bases 18 to 22 of the intron after coding-DNA position 5152, TCTCC replaced by AAGTA.
Molecular consequence: intron variant.
Genome position (GRCh38, 1-based): chr17:43,063,852-43,063,856, GGAGA replaced by TACTT on the plus strand (TCTCC replaced by AAGTA on the coding strand, the reverse complement: BRCA1 is on the minus strand). VCF-style: chr17-43063852-GGAGA-TACTT. GRCh37 (hg19) VCF-style: chr17-41215869-GGAGA-TACTT.
Other names: c.1840+18_1840+22delinsAAGTA (NM_001407991.1, NM_001407980.1, NM_001407993.1 and 12 more transcripts); c.5146+18_5146+22delinsAAGTA (NM_001407631.1, NM_001407638.1, NM_001407632.1 and 14 more transcripts); c.1720+18_1720+22delinsAAGTA (NM_001408427.1, NM_001408430.1, NM_001408431.1 and 4 more transcripts); c.5029+18_5029+22delinsAAGTA (NM_001407668.1, NM_001407665.1, NM_001407938.1 and 6 more transcripts); c.5149+18_5149+22delinsAAGTA (NM_001407622.1, NM_001407613.1, NM_001407618.1 and 17 more transcripts); c.5152+18_5152+22delinsAAGTA (NM_001407602.1, NM_001407603.1, NM_001407854.1 and 7 more transcripts); c.5215+18_5215+22delinsAAGTA (NM_001407585.1, NM_001407587.1, NM_007300.4 and 1 more transcripts); c.4882+18_4882+22delinsAAGTA (NM_001407936.1, NM_001407934.1, NM_001407935.1); and 73 more.
Identifiers: ClinVar variation 2805106 (VCV002805106.3), dbSNP rs2549464104, ClinGen allele CA2739265592.